The following is an entry in ClinVar:

ClinVar aggregate classification (germline): Uncertain significance (1 of 4 stars; one submission).

Conditions:
Short-rib thoracic dysplasia 6 with or without polydactyly (SRTD6). Also called: POLYDACTYLY WITH NEONATAL CHONDRODYSTROPHY, TYPE II; SHORT RIB-POLYDACTYLY SYNDROME, TYPE IIA; Majewski Syndrome; SHORT-RIB THORACIC DYSPLASIA 6 WITH POLYDACTYLY; SHORT-RIB THORACIC DYSPLASIA 6 WITHOUT POLYDACTYLY. Identifiers: MedGen C0024507, MONDO:0009894, OMIM 263520.

Allele frequency attached by ClinVar (database versions not stated): gnomAD exomes below 0.00001; gnomAD 0.00001.
gnomAD v4.1: 4 of 1,593,730 alleles (0.00025%); highest among the groups gnomAD compares: East Asian, 0.009%; no homozygotes.

Submission:

Labcorp Genetics (formerly Invitae), Labcorp
Classification: Uncertain significance for Short-rib thoracic dysplasia 6 with or without polydactyly. Last evaluated: 2023-05-05. Review status: criteria provided, single submitter. Criteria: Invitae Variant Classification Sherloc (09022015). Collection method: clinical testing. Allele origin: germline.
Comment: Variants that disrupt the consensus splice site are a relatively common cause of aberrant splicing (PMID: 17576681, 9536098). Algorithms developed to predict the effect of sequence changes on RNA splicing suggest that this variant is not likely to affect RNA splicing. In summary, the available evidence is currently insufficient to determine the role of this variant in disease. Therefore, it has been classified as a Variant of Uncertain Significance. This variant has not been reported in the literature in individuals affected with NEK1-related conditions. This sequence change falls in intron 11 of the NEK1 gene. It does not directly change the encoded amino acid sequence of the NEK1 protein. It affects a nucleotide within the consensus splice site. This variant is not present in population databases (gnomAD no frequency).

Literature cited by the submitters: PubMed 17576681; PubMed 9536098.

NM_001199397.3(NEK1):c.1020+4T>C

Gene: NEK1 (NIMA related kinase 1; minus strand). Cytogenetic location: 4q33.
Variant type: single nucleotide variant.
Coding change: c.1020+4T>C on transcript NM_001199397.3 (MANE Select); 4 bases into the intron after coding-DNA position 1020, T replaced by C.
Molecular consequence: intron variant.
Genome position (GRCh38, 1-based): chr4:169,576,924, A>G on the plus strand (T>C on the coding strand, the complement: NEK1 is on the minus strand). VCF-style: chr4-169576924-A-G. GRCh37 (hg19) VCF-style: chr4-170498075-A-G.
Other names: c.1020+4T>C (NM_001374421.1, NM_001374420.1, NM_001199399.3 and 7 more transcripts).
Identifiers: ClinVar variation 2862267 (VCV002862267.3), dbSNP rs1765772279, ClinGen allele CA1512001052.